The following is an entry in ClinVar:

ClinVar aggregate classification (germline): Uncertain significance (1 of 4 stars; one submission).

Conditions:
Peutz-Jeghers syndrome (PJS). Also called: POLYPOSIS, HAMARTOMATOUS INTESTINAL; POLYPS-AND-SPOTS SYNDROME; Peutz-Jeghers polyposis; Periorificial lentiginosis syndrome. Identifiers: Orphanet 2869, MedGen C0031269, MeSH D010580, MONDO:0008280, OMIM 175200.

Submission:

Labcorp Genetics (formerly Invitae), Labcorp
Classification: Uncertain significance for Peutz-Jeghers syndrome. Last evaluated: 2024-02-26. Review status: criteria provided, single submitter. Criteria: Invitae Variant Classification Sherloc (09022015). Collection method: clinical testing. Allele origin: germline.
Comment: This sequence change falls in intron 3 of the STK11 gene. It does not directly change the encoded amino acid sequence of the STK11 protein. It affects a nucleotide within the consensus splice site. This variant is not present in population databases (gnomAD no frequency). This variant has not been reported in the literature in individuals affected with STK11-related conditions. Variants that disrupt the consensus splice site are a relatively common cause of aberrant splicing (PMID: 17576681, 9536098). Algorithms developed to predict the effect of sequence changes on RNA splicing suggest that this variant may disrupt the consensus splice site. In summary, the available evidence is currently insufficient to determine the role of this variant in disease. Therefore, it has been classified as a Variant of Uncertain Significance.

Literature cited by the submitters: PubMed 17576681; PubMed 9536098.

NM_000455.5(STK11):c.465-3C>A

Gene: STK11 (serine/threonine kinase 11; plus strand). Cytogenetic location: 19p13.3.
Variant type: single nucleotide variant.
Coding change: c.465-3C>A on transcript NM_000455.5 (MANE Select); 3 bases into the intron before coding-DNA position 465, C replaced by A.
Molecular consequence: intron variant.
Genome position (GRCh38, 1-based): chr19:1,220,370, C>A. VCF-style: chr19-1220370-C-A. GRCh37 (hg19) VCF-style: chr19-1220369-C-A.
Other names: c.465-3C>A (NM_001407255.1).
Identifiers: ClinVar variation 3643379 (VCV003643379.2).
Genomic context (GRCh38, chr19:1,220,370, plus strand): 5'-AAAGGGGACCCCTGTGAGGGGCAGGGAGGCCTCGGCCCCAGGACGGGTGTGTGCTGCCCG[C>A]AGGTACTTCTGTCAGCTGATTGACGGCCTGGAGTACCTGCATAGCCAGGGCATTGTGCAC-3'